The following is an entry in ClinVar:

ClinVar aggregate classification (germline): Pathogenic/Likely pathogenic. Review status: criteria provided, multiple submitters, no conflicts (2 of 4 stars). 3 submissions from 3 submitters: Pathogenic (2); Likely pathogenic (1). Last evaluated 2026-01-26.

Conditions:
Renal carnitine transport defect (CDSP). Also called: CARNITINE DEFICIENCY, SYSTEMIC, DUE TO DEFECT IN RENAL REABSORPTION OF CARNITINE; CARNITINE TRANSPORTER, PLASMA-MEMBRANE, DEFICIENCY OF; CARNITINE UPTAKE DEFECT; Systemic primary carnitine deficiency disease; Systemic primary carnitine deficiency; Carnitine transporter deficiency. Identifiers: Orphanet 158, MedGen C0342788, MONDO:0008919, OMIM 212140.

Allele frequency attached by ClinVar (database versions not stated): TOPMed below 0.00001 and 0.00001.
gnomAD v4.1: 13 of 1,614,170 alleles (0.00081%); highest among the groups gnomAD compares: African/African-American, 0.0013%; no homozygotes.

Submissions (4):

Labcorp Genetics (formerly Invitae), Labcorp
Classification: Pathogenic for Renal carnitine transport defect. Last evaluated: 2026-01-26. Review status: criteria provided, single submitter. Criteria: Invitae Variant Classification Sherloc (09022015). Collection method: clinical testing. Allele origin: germline.
Comment: This sequence change affects a donor splice site in intron 9 of the SLC22A5 gene. While this variant is not anticipated to result in nonsense mediated decay, it likely alters RNA splicing and results in a disrupted protein product. This variant is not present in population databases (gnomAD no frequency). Disruption of this splice site has been observed in individual(s) with primary carnitine deficiency (PMID: 17486650). In at least one individual the data is consistent with being in trans (on the opposite chromosome) from a pathogenic variant. ClinVar contains an entry for this variant (Variation ID: 1952751). Variants that disrupt the consensus splice site are a relatively common cause of aberrant splicing (PMID: 17576681, 9536098). Algorithms developed to predict the effect of sequence changes on RNA splicing suggest that this variant may disrupt the consensus splice site. For these reasons, this variant has been classified as Pathogenic.

Fulgent Genetics
Classification: Likely pathogenic for Renal carnitine transport defect. Last evaluated: 2024-03-31. Review status: criteria provided, single submitter. Criteria: ACMG Guidelines, 2015. Collection method: clinical testing. Allele origin: germline.

Baylor Genetics
Classification: Pathogenic for Renal carnitine transport defect. Last evaluated: 2024-02-22. Review status: criteria provided, single submitter. Criteria: ACMG Guidelines, 2015. Collection method: clinical testing. Allele origin: unknown.

Dr. Peter K. Rogan Lab, Western University
No classification provided (evidence only). Condition: Papillary renal cell carcinoma type 1. Review status: no classification provided. Collection method: in vitro. Allele origin: not applicable. Functional consequence: skipped exon. Not counted in ClinVar's aggregate classification.

Literature cited by the submitters: PubMed 17486650 (cited by Labcorp Genetics (formerly Invitae), Labcorp); PubMed 17576681 (cited by Labcorp Genetics (formerly Invitae), Labcorp); PubMed 9536098 (cited by Labcorp Genetics (formerly Invitae), Labcorp).

NM_003060.4(SLC22A5):c.1586+1G>T

Gene: SLC22A5 (solute carrier family 22 member 5; plus strand). Cytogenetic location: 5q31.1.
Variant type: single nucleotide variant.
Coding change: c.1586+1G>T on transcript NM_003060.4 (MANE Select); the canonical splice donor site of the intron after coding-DNA position 1586, G replaced by T.
Molecular consequence: splice donor variant.
Genome position (GRCh38, 1-based): chr5:132,393,812, G>T. VCF-style: chr5-132393812-G-T. GRCh37 (hg19) VCF-style: chr5-131729504-G-T.
Other names: c.1658+1G>T (NM_001308122.2).
Identifiers: ClinVar variation 1952751 (VCV001952751.8), dbSNP rs386134226, ClinGen allele CA342691.